The following is an entry in ClinVar:

ClinVar aggregate classification (germline): Conflicting classifications of pathogenicity. Review status: criteria provided, conflicting classifications (1 of 4 stars). 2 submissions from 2 submitters: Uncertain significance (1); Likely benign (1). Last evaluated 2026-02-03.

Conditions:
Ataxia-telangiectasia syndrome (AT). Also called: Ataxia-telangiectasia, complementation group D; AT, COMPLEMENTATION GROUP C; ATAXIA-TELANGIECTASIA, COMPLEMENTATION GROUP A; ATAXIA-TELANGIECTASIA, FRESNO VARIANT; Ataxia-telangiectasia; Ataxia telangiectasia (A-T). Identifiers: Orphanet 100, MedGen C0004135, MONDO:0008840, OMIM 208900.
Hereditary cancer-predisposing syndrome. Also called: Neoplastic Syndromes, Hereditary; Hereditary neoplastic syndrome; Tumor predisposition; Hereditary Cancer Syndrome. Identifiers: Orphanet 140162, MedGen C0027672, MeSH D009386, MONDO:0015356.

Submissions (2):

Ambry Genetics
Classification: Likely benign for Hereditary cancer-predisposing syndrome. Last evaluated: 2026-02-03. Review status: criteria provided, single submitter. Criteria: Ambry Variant Classification Scheme 2023. Collection method: clinical testing. Allele origin: germline.

Labcorp Genetics (formerly Invitae), Labcorp
Classification: Uncertain significance for Ataxia-telangiectasia syndrome. Last evaluated: 2025-09-22. Review status: criteria provided, single submitter. Criteria: Invitae Variant Classification Sherloc (09022015). Collection method: clinical testing. Allele origin: germline.
Comment: This sequence change replaces arginine, which is basic and polar, with glycine, which is neutral and non-polar, at codon 173 of the ATM protein (p.Arg173Gly). This variant is not present in population databases (gnomAD no frequency). This variant has not been reported in the literature in individuals affected with ATM-related conditions. Invitae Evidence Modeling of protein sequence and biophysical properties (such as structural, functional, and spatial information, amino acid conservation, physicochemical variation, residue mobility, and thermodynamic stability) indicates that this missense variant is not expected to disrupt ATM protein function with a negative predictive value of 95%. In summary, the available evidence is currently insufficient to determine the role of this variant in disease. Therefore, it has been classified as a Variant of Uncertain Significance.

NM_000051.4(ATM):c.517A>G (p.Arg173Gly)

Gene: ATM (ATM serine/threonine kinase; plus strand). Cytogenetic location: 11q22.3.
Variant type: single nucleotide variant.
Coding change: c.517A>G on transcript NM_000051.4 (MANE Select); coding-DNA position 517, A replaced by G.
Protein change: p.Arg173Gly; replaces arginine 173 with glycine.
Molecular consequence: missense variant.
Genome position (GRCh38, 1-based): chr11:108,243,973, A>G. VCF-style: chr11-108243973-A-G. GRCh37 (hg19) VCF-style: chr11-108114700-A-G.
Other names: c.517A>G, p.Arg173Gly (NM_001351834.2); short protein forms R173G.
Identifiers: ClinVar variation 4747160 (VCV004747160.2).